The following is an entry in ClinVar:

ClinVar aggregate classification (germline): Uncertain significance (1 of 4 stars; one submission).

Submission:

Labcorp Genetics (formerly Invitae), Labcorp
Classification: Uncertain significance. Last evaluated: 2021-04-28. Review status: criteria provided, single submitter. Criteria: Invitae Variant Classification Sherloc (09022015). Collection method: clinical testing. Allele origin: germline.
Comment: In summary, the available evidence is currently insufficient to determine the role of this variant in disease. Therefore, it has been classified as a Variant of Uncertain Significance. Algorithms developed to predict the effect of missense changes on protein structure and function (SIFT, PolyPhen-2, Align-GVGD) all suggest that this variant is likely to be tolerated, but these predictions have not been confirmed by published functional studies and their clinical significance is uncertain. This variant has not been reported in the literature in individuals with STAT4-related conditions. This variant is not present in population databases (ExAC no frequency). This sequence change replaces threonine with alanine at codon 180 of the STAT4 protein (p.Thr180Ala). The threonine residue is weakly conserved and there is a small physicochemical difference between threonine and alanine.

NM_003151.4(STAT4):c.538A>G (p.Thr180Ala)

Gene: STAT4 (signal transducer and activator of transcription 4; minus strand). Cytogenetic location: 2q32.2.
Variant type: single nucleotide variant.
Coding change: c.538A>G on transcript NM_003151.4 (MANE Select); coding-DNA position 538, A replaced by G.
Protein change: p.Thr180Ala; replaces threonine 180 with alanine.
Molecular consequence: missense variant.
Genome position (GRCh38, 1-based): chr2:191,069,699, T>C on the plus strand (A>G on the coding strand, the complement: STAT4 is on the minus strand). VCF-style: chr2-191069699-T-C. GRCh37 (hg19) VCF-style: chr2-191934425-T-C.
Other names: c.538A>G, p.Thr180Ala (NM_001243835.2); short protein forms T180A.
Identifiers: ClinVar variation 1424710 (VCV001424710.8), dbSNP rs1364866424, ClinGen allele CA349918503.